The following is an entry in ClinVar:

ClinVar aggregate classification (germline): Uncertain significance (1 of 4 stars; one submission).

Conditions:
Compton-North congenital myopathy (CMYO12). Identifiers: Orphanet 210163, MedGen C2675527, MONDO:0012929, OMIM 612540.

Allele frequency attached by ClinVar (database versions not stated): gnomAD exomes 0.00001; gnomAD 0.00002 and 0.00003; TOPMed 0.00003.
gnomAD v4.1: 15 of 1,613,416 alleles (0.00093%); highest among the groups gnomAD compares: African/African-American, 0.004%; no homozygotes.

Submission:

Labcorp Genetics (formerly Invitae), Labcorp
Classification: Uncertain significance for Compton-North congenital myopathy. Last evaluated: 2021-09-01. Review status: criteria provided, single submitter. Criteria: Invitae Variant Classification Sherloc (09022015). Collection method: clinical testing. Allele origin: germline.
Comment: This sequence change replaces leucine with serine at codon 509 of the CNTN1 protein (p.Leu509Ser). The leucine residue is highly conserved and there is a large physicochemical difference between leucine and serine. This variant is not present in population databases (ExAC no frequency). This variant has not been reported in the literature in individuals affected with CNTN1-related conditions. Algorithms developed to predict the effect of missense changes on protein structure and function (SIFT, PolyPhen-2, Align-GVGD) all suggest that this variant is likely to be disruptive. In summary, the available evidence is currently insufficient to determine the role of this variant in disease. Therefore, it has been classified as a Variant of Uncertain Significance.

NM_001843.4(CNTN1):c.1526T>C (p.Leu509Ser)

Gene: CNTN1 (contactin 1; plus strand). Cytogenetic location: 12q12.
Variant type: single nucleotide variant.
Coding change: c.1526T>C on transcript NM_001843.4 (MANE Select); coding-DNA position 1526, T replaced by C.
Protein change: p.Leu509Ser; replaces leucine 509 with serine.
Molecular consequence: missense variant.
Genome position (GRCh38, 1-based): chr12:40,944,013, T>C. VCF-style: chr12-40944013-T-C. GRCh37 (hg19) VCF-style: chr12-41337815-T-C.
Other names: c.1526T>C, p.Leu509Ser (NM_001256063.2, NM_001256064.2); c.1493T>C, p.Leu498Ser (NM_175038.2); short protein forms L509S, L498S.
Identifiers: ClinVar variation 651730 (VCV000651730.6), dbSNP rs973419081, ClinGen allele CA235406359.